The following is an entry in ClinVar:

ClinVar aggregate classification (germline): Uncertain significance (1 of 4 stars; one submission).

Conditions:
RYR1-related disorder. Also called: RYR1-related condition; RYR1-related disorders. Identifiers: MedGen CN239331.

Submission:

Labcorp Genetics (formerly Invitae), Labcorp
Classification: Uncertain significance for RYR1-related disorder. Last evaluated: 2025-04-14. Review status: criteria provided, single submitter. Criteria: Invitae Variant Classification Sherloc (09022015). Collection method: clinical testing. Allele origin: germline.
Comment: This sequence change replaces isoleucine, which is neutral and non-polar, with threonine, which is neutral and polar, at codon 4933 of the RYR1 protein (p.Ile4933Thr). This variant is not present in population databases (gnomAD no frequency). This variant has not been reported in the literature in individuals affected with RYR1-related conditions. Invitae Evidence Modeling of protein sequence and biophysical properties (such as structural, functional, and spatial information, amino acid conservation, physicochemical variation, residue mobility, and thermodynamic stability) indicates that this missense variant is expected to disrupt RYR1 protein function with a positive predictive value of 80%. In summary, the available evidence is currently insufficient to determine the role of this variant in disease. Therefore, it has been classified as a Variant of Uncertain Significance.

NM_000540.3(RYR1):c.14798T>C (p.Ile4933Thr)

Gene: RYR1 (ryanodine receptor 1; plus strand). Cytogenetic location: 19q13.2.
Variant type: single nucleotide variant.
Coding change: c.14798T>C on transcript NM_000540.3 (MANE Select); coding-DNA position 14798, T replaced by C.
Protein change: p.Ile4933Thr; replaces isoleucine 4933 with threonine.
Molecular consequence: missense variant.
Genome position (GRCh38, 1-based): chr19:38,585,094, T>C. VCF-style: chr19-38585094-T-C. GRCh37 (hg19) VCF-style: chr19-39075734-T-C.
Other names: c.14783T>C, p.Ile4928Thr (NM_001042723.2); short protein forms I4928T, I4933T.
Identifiers: ClinVar variation 4802141 (VCV004802141.1).